The following is an entry in ClinVar:

ClinVar aggregate classification (germline): Uncertain significance (1 of 4 stars; one submission).

Submission:

Labcorp Genetics (formerly Invitae), Labcorp
Classification: Uncertain significance. Last evaluated: 2023-07-21. Review status: criteria provided, single submitter. Criteria: Invitae Variant Classification Sherloc (09022015). Collection method: clinical testing. Allele origin: germline.
Comment: Algorithms developed to predict the effect of missense changes on protein structure and function output the following: SIFT: "Not Available"; PolyPhen-2: "Benign"; Align-GVGD: "Not Available". The glutamic acid amino acid residue is found in multiple mammalian species, which suggests that this missense change does not adversely affect protein function. In summary, the available evidence is currently insufficient to determine the role of this variant in disease. Therefore, it has been classified as a Variant of Uncertain Significance. ClinVar contains an entry for this variant (Variation ID: 1383383). This variant has not been reported in the literature in individuals affected with PRDM13-related conditions. This variant is not present in population databases (gnomAD no frequency). This sequence change replaces aspartic acid, which is acidic and polar, with glutamic acid, which is acidic and polar, at codon 664 of the PRDM13 protein (p.Asp664Glu).

NM_021620.4(PRDM13):c.1992C>A (p.Asp664Glu)

Gene: PRDM13 (PR/SET domain 13; plus strand). Cytogenetic location: 6q16.2.
Variant type: single nucleotide variant.
Coding change: c.1992C>A on transcript NM_021620.4 (MANE Select); coding-DNA position 1992, C replaced by A.
Protein change: p.Asp664Glu; replaces aspartic acid 664 with glutamic acid.
Molecular consequence: missense variant.
Genome position (GRCh38, 1-based): chr6:99,614,627, C>A. VCF-style: chr6-99614627-C-A. GRCh37 (hg19) VCF-style: chr6-100062503-C-A.
Other names: short protein forms D664E.
Identifiers: ClinVar variation 1383383 (VCV001383383.6), dbSNP rs546224169, ClinGen allele CA365122563.
Genomic context (GRCh38, chr6:99,614,627, plus strand): 5'-CCTGGAGCGACATGTCAAGTCCCGCCACCCTGGCCAGAGTCTGCTCGCCAAAGCGGGCGA[C>A]GGCCCGGGTGCCGAGCCCGGCTATCCCCCGGAGCCTGGGGATCCCAAGAGCGACGACAGT-3'
Protein context (NP_067633.2, residues 654-674): PGQSLLAKAG[Asp664Glu]GPGAEPGYPP